The following is an entry in ClinVar:

ClinVar aggregate classification (germline): Benign. Review status: criteria provided, multiple submitters, no conflicts (2 of 4 stars). 2 submissions from 2 submitters: Benign (2). Last evaluated 2018-01-13.

Conditions:
Hermansky-Pudlak syndrome 1 (HPS1). Also called: DELTA STORAGE POOL DISEASE. Identifiers: Orphanet 231500, Orphanet 79430, MedGen C2931875, MONDO:0008748, OMIM 203300.

Allele frequency attached by ClinVar (database versions not stated): TOPMed 0.04561; 1000 Genomes Project 30x 0.04950; gnomAD exomes 0.04091; gnomAD 0.04437 and 0.04500; 1000 Genomes Project 0.05391.
gnomAD v4.1: 7,040 of 156,546 alleles (4.5%); highest among the groups gnomAD compares: East Asian, 12%; 218 homozygotes.

Submissions (2):

Illumina Laboratory Services, Illumina
Classification: Benign for Hermansky-Pudlak syndrome 1. Last evaluated: 2018-01-13. Review status: criteria provided, single submitter. Criteria: ICSL Variant Classification Criteria 13 December 2019. Collection method: clinical testing. Allele origin: germline.
Comment: This variant was observed in the ICSL laboratory as part of a predisposition screen in an ostensibly healthy population. It had not been previously curated by ICSL or reported in the Human Gene Mutation Database (HGMD: prior to June 1st, 2018), and was therefore a candidate for classification through an automated scoring system. Utilizing variant allele frequency, disease prevalence and penetrance estimates, and inheritance mode, an automated score was calculated to assess if this variant is too frequent to cause the disease. Based on the score and internal cut-off values, a variant classified as benign is not then subjected to further curation. The score for this variant resulted in a classification of benign for this disease.

Breakthrough Genomics
Classification: Benign. Review status: criteria provided, single submitter. Criteria: ACMG Guidelines, 2015. Collection method: not provided. Allele origin: germline. Inheritance: Autosomal recessive inheritance. Affected: yes.

NM_000195.5(HPS1):c.*473G>A

Gene: HPS1 (HPS1 biogenesis of lysosomal organelles complex 3 subunit 1; minus strand). Cytogenetic location: 10q24.2.
Variant type: single nucleotide variant.
Coding change: c.*473G>A on transcript NM_000195.5 (MANE Select); 473 bases downstream of the stop codon, G replaced by A.
Molecular consequence: 3 prime UTR variant.
Genome position (GRCh38, 1-based): chr10:98,417,091, C>T on the plus strand (G>A on the coding strand, the complement: HPS1 is on the minus strand). VCF-style: chr10-98417091-C-T. GRCh37 (hg19) VCF-style: chr10-100176848-C-T.
Other names: c.*473G>A (NM_001311345.2, NM_001322476.2, NM_001322477.2 and 10 more transcripts).
Identifiers: ClinVar variation 298327 (VCV000298327.6), dbSNP rs3830019, ClinGen allele CA10637116.